The following is an entry in ClinVar:

ClinVar aggregate classification (germline): Pathogenic. Review status: criteria provided, multiple submitters, no conflicts (2 of 4 stars). 3 submissions from 3 submitters: Pathogenic (3). Last evaluated 2026-05-12.

Conditions:
TECTA-related disorder. Also called: TECTA-related condition.

Submissions (3):

PreventionGenetics, part of Exact Sciences
Classification: Pathogenic for TECTA-related condition. Last evaluated: 2026-05-12. Review status: criteria provided, single submitter. Criteria: ACMG Guidelines, 2015. Collection method: clinical testing. Allele origin: germline.
Comment: The TECTA c.3950_3951delAA variant is predicted to result in a frameshift and premature protein termination (p.Lys1317Serfs*2). This variant was reported in an individual with hearing loss in conjunction with a second potentially pathogenic variant (Table S3, Sloan-Heggen et al 2016. PubMed ID: 26969326). This variant is reported in 0.0018% of alleles in individuals of European (Non-Finnish) descent in gnomAD. Frameshift variants in TECTA are expected to be pathogenic. This variant is interpreted as pathogenic.

GeneDx
Classification: Pathogenic. Last evaluated: 2026-02-27. Review status: criteria provided, single submitter. Criteria: GeneDx Variant Classification Process June 2021. Collection method: clinical testing. Allele origin: germline.
Comment: Frameshift variant predicted to result in protein truncation or nonsense mediated decay in a gene for which loss of function is a known mechanism of disease; Not observed at significant frequency in large population cohorts (gnomAD); This variant is associated with the following publications: (PMID: 26969326)

Labcorp Genetics (formerly Invitae), Labcorp
Classification: Pathogenic. Last evaluated: 2022-07-19. Review status: criteria provided, single submitter. Criteria: Invitae Variant Classification Sherloc (09022015). Collection method: clinical testing. Allele origin: germline.
Comment: For these reasons, this variant has been classified as Pathogenic. This premature translational stop signal has been observed in individual(s) with non-syndromic deafness (PMID: 26969326). This variant is present in population databases (no rsID available, gnomAD 0.0009%). This sequence change creates a premature translational stop signal (p.Lys1317Serfs*2) in the TECTA gene. It is expected to result in an absent or disrupted protein product. Loss-of-function variants in TECTA are known to be pathogenic (PMID: 11087000, 12746400, 17431902, 24130743).

Literature cited by the submitters: PubMed 26969326 (cited by Labcorp Genetics (formerly Invitae), Labcorp); PubMed 11087000 (cited by Labcorp Genetics (formerly Invitae), Labcorp); PubMed 12746400 (cited by Labcorp Genetics (formerly Invitae), Labcorp); PubMed 17431902 (cited by Labcorp Genetics (formerly Invitae), Labcorp); PubMed 24130743 (cited by Labcorp Genetics (formerly Invitae), Labcorp).

NM_005422.4(TECTA):c.3950_3951del (p.Lys1317fs)

Genes: TBCEL-TECTA (TBCEL-TECTA readthrough; plus strand), TECTA (tectorin alpha; plus strand). Cytogenetic location: 11q23.3.
Variant type: Deletion.
Coding change: c.3950_3951del on transcript NM_005422.4 (MANE Select); coding-DNA positions 3950 to 3951, 2 bases deleted (AA; older notation c.3950_3951delAA).
Protein change: p.Lys1317fs; shifts the reading frame from lysine 1317.
Molecular consequence: frameshift variant.
Genome position (GRCh38, 1-based): chr11:121,145,961-121,145,962, AA deleted; deleting any 2 consecutive bases within chr11:121,145,960-121,145,962 gives the same sequence; the c. name uses the placement nearest the transcript's 3' end. VCF-style (leftmost placement, unchanged base first): chr11-121145959-CAA-C. GRCh37 (hg19) VCF-style: chr11-121016668-CAA-C.
Other names: c.4907_4908del, p.Lys1636fs (NM_001378761.1); c.3950_3951del (NM_005422.2); c.3950_3951delAA (NM_005422.2); short protein forms K1317fs, K1636fs.
Identifiers: ClinVar variation 2137271 (VCV002137271.6), dbSNP rs867810468, ClinGen allele CA229831701.
Genomic context (GRCh38, chr11:121,145,959, plus strand): 5'-AGTGCAGCAGCTGTGCAGCCTGATCCCCAACCAGAACGCTGCCTTCTCCAAGTGTCACAG[CAA>C]AGTTAACCCCACCTTCTTCTATAAGAACTGCCTGTTTGACTCTTGCATCGATGGGGGCGC-3'